The following is an entry in ClinVar:

NM_002225.5(IVD):c.634_635del (p.Asp212fs)

Gene: IVD (isovaleryl-CoA dehydrogenase; plus strand). Cytogenetic location: 15q15.1.
Variant type: Deletion.
Coding change: c.634_635del on transcript NM_002225.5 (MANE Select); coding-DNA positions 634 to 635, 2 bases deleted (GA; older notation c.634_635delGA).
Protein change: p.Asp212fs; shifts the reading frame from aspartic acid 212.
Molecular consequence: frameshift variant. On other transcripts: non-coding transcript variant (1).
Genome position (GRCh38, 1-based): chr15:40,411,638-40,411,639, GA deleted; deleting any 2 consecutive bases within chr15:40,411,637-40,411,639 gives the same sequence; the c. name uses the placement nearest the transcript's 3' end. VCF-style (leftmost placement, unchanged base first): chr15-40411636-CAG-C. GRCh37 (hg19) VCF-style: chr15-40703835-CAG-C.
Other names: c.544_545del, p.Asp182fs (NM_001159508.3); c.586_587del, p.Asp196fs (NM_001354597.3); c.634_635del, p.Asp212fs (NM_001354598.3, NM_001354601.3); c.721_722del, p.Asp241fs (NM_001354599.3, NM_001354600.3); short protein forms D182fs, D196fs, D212fs, D241fs.
Identifiers: ClinVar variation 1723958 (VCV001723958.3), dbSNP rs2542697378, ClinGen allele CA2580089369.

ClinVar aggregate classification (germline): Likely pathogenic. Review status: criteria provided, multiple submitters, no conflicts (2 of 4 stars). 2 submissions from 2 submitters: Likely pathogenic (2). Last evaluated 2023-01-07.

Conditions:
Isovaleryl-CoA dehydrogenase deficiency (IVA). Also called: ISOVALERIC ACID CoA DEHYDROGENASE DEFICIENCY; Classic Isovaleric Acidemia; Isovaleric acidemia; IVD DEFICIENCY. Identifiers: Orphanet 33, MedGen C0268575, MONDO:0009475, OMIM 243500.

Submissions (2):

Baylor Genetics
Classification: Likely pathogenic for Isovaleryl-CoA dehydrogenase deficiency. Last evaluated: 2023-01-07. Review status: criteria provided, single submitter. Criteria: ACMG Guidelines, 2015. Collection method: clinical testing. Allele origin: unknown.

Myriad Genetics, Inc.
Classification: Likely pathogenic for Isovaleryl-CoA dehydrogenase deficiency. Last evaluated: 2022-01-15. Review status: criteria provided, single submitter. Criteria: Myriad Women's Health Autosomal Recessive and X-Linked Classification Criteria (2021). Collection method: clinical testing. Allele origin: unknown.
Comment: NM_002225.3(IVD):c.643_644delGA(D215Sfs*23) is expected to be pathogenic in the context of isovaleric acidemia. This variant is predicted to lead to an abnormal or absent protein product due to the creation of a premature termination codon in IVD, a gene where loss-of-function variants are known to be pathogenic. Please note: this variant was assessed in the context of healthy population screening.